The following is an entry in ClinVar:

NM_000243.3(MEFV):c.1646C>T (p.Thr549Ile)

Gene: MEFV (MEFV innate immunity regulator, pyrin; minus strand). Cytogenetic location: 16p13.3.
Variant type: single nucleotide variant.
Coding change: c.1646C>T on transcript NM_000243.3 (MANE Select); coding-DNA position 1646, C replaced by T.
Protein change: p.Thr549Ile; replaces threonine 549 with isoleucine.
Molecular consequence: missense variant.
Genome position (GRCh38, 1-based): chr16:3,244,553, G>A on the plus strand (C>T on the coding strand, the complement: MEFV is on the minus strand). VCF-style: chr16-3244553-G-A. GRCh37 (hg19) VCF-style: chr16-3294553-G-A.
Other names: c.1013C>T, p.Thr338Ile (NM_001198536.2); short protein forms T338I, T549I.
Identifiers: ClinVar variation 3230735 (VCV003230735.1), dbSNP rs2543141763, ClinGen allele CA394458829.

ClinVar aggregate classification (germline): Uncertain significance (1 of 4 stars; one submission).

Conditions:
Inborn genetic diseases. Identifiers: MedGen C0950123, MeSH D030342.

Submission:

Ambry Genetics
Classification: Uncertain significance for Inborn genetic diseases. Last evaluated: 2023-12-31. Review status: criteria provided, single submitter. Criteria: Ambry Variant Classification Scheme 2023. Collection method: clinical testing. Allele origin: germline.
Comment: The p.T549I variant (also known as c.1646C>T), located in coding exon 7 of the MEFV gene, results from a C to T substitution at nucleotide position 1646. The threonine at codon 549 is replaced by isoleucine, an amino acid with similar properties. This amino acid position is conserved. In addition, in silico predictors for this gene do not accurately predict pathogenicity. Since supporting evidence is limited at this time, the clinical significance of this alteration remains unclear.